The following is an entry in ClinVar:

ClinVar aggregate classification (germline): Uncertain significance (1 of 4 stars; one submission).

gnomAD v4.1: 4 of 1,600,422 alleles (0.00025%); highest among the groups gnomAD compares: Admixed American, 0.005%; no homozygotes.

Submission:

Ambry Genetics
Classification: Uncertain significance. Last evaluated: 2024-11-23. Review status: criteria provided, single submitter. Criteria: Ambry Variant Classification Scheme 2023. Collection method: clinical testing. Allele origin: germline.
Comment: The p.A1470D variant (also known as c.4409C>A), located in coding exon 19 of the WNK2 gene, results from a C to A substitution at nucleotide position 4409. The alanine at codon 1470 is replaced by aspartic acid, an amino acid with dissimilar properties. This amino acid position is conserved. In addition, this alteration is predicted to be tolerated by in silico analysis. Based on the available evidence, the clinical significance of this variant remains unclear.

NM_006648.4(WNK2):c.4409C>A (p.Ala1470Asp)

Gene: WNK2 (WNK lysine deficient protein kinase 2; plus strand). Cytogenetic location: 9q22.31.
Variant type: single nucleotide variant.
Coding change: c.4409C>A on transcript NM_006648.4 (MANE Select); coding-DNA position 4409, C replaced by A.
Protein change: p.Ala1470Asp; replaces alanine 1470 with aspartic acid.
Molecular consequence: missense variant.
Genome position (GRCh38, 1-based): chr9:93,289,163, C>A. VCF-style: chr9-93289163-C-A. GRCh37 (hg19) VCF-style: chr9-96051445-C-A.
Other names: c.4520C>A, p.Ala1507Asp (NM_001282394.3); short protein forms A1470D, A1507D.
Identifiers: ClinVar variation 3470341 (VCV003470341.1).